The following is an entry in ClinVar:

ClinVar aggregate classification (germline): Uncertain significance (1 of 4 stars; one submission).

Conditions:
Encephalopathy, acute, infection-induced (herpes-specific), susceptibility to, 1. Also called: Herpes simplex encephalitis, susceptibility to, 1. Identifiers: Orphanet 1930, MedGen C2750180, MONDO:0024563, OMIM 610551.

Allele frequency attached by ClinVar (database versions not stated): TOPMed below 0.00001; ExAC 0.00001; gnomAD 0.00002.

Submission:

Labcorp Genetics (formerly Invitae), Labcorp
Classification: Uncertain significance for Encephalopathy, acute, infection-induced (herpes-specific), susceptibility to, 1. Last evaluated: 2024-01-20. Review status: criteria provided, single submitter. Criteria: Invitae Variant Classification Sherloc (09022015). Collection method: clinical testing. Allele origin: germline.
Comment: This sequence change replaces glutamic acid, which is acidic and polar, with lysine, which is basic and polar, at codon 639 of the TLR3 protein (p.Glu639Lys). This variant is present in population databases (rs752561623, gnomAD 0.002%). This variant has not been reported in the literature in individuals affected with TLR3-related conditions. An algorithm developed to predict the effect of missense changes on protein structure and function (PolyPhen-2) suggests that this variant is likely to be tolerated. In summary, the available evidence is currently insufficient to determine the role of this variant in disease. Therefore, it has been classified as a Variant of Uncertain Significance.

NM_003265.3(TLR3):c.1915G>A (p.Glu639Lys)

Gene: TLR3 (toll like receptor 3; plus strand). Cytogenetic location: 4q35.1.
Variant type: single nucleotide variant.
Coding change: c.1915G>A on transcript NM_003265.3 (MANE Select); coding-DNA position 1915, G replaced by A.
Protein change: p.Glu639Lys; replaces glutamic acid 639 with lysine.
Molecular consequence: missense variant.
Genome position (GRCh38, 1-based): chr4:186,083,601, G>A. VCF-style: chr4-186083601-G-A. GRCh37 (hg19) VCF-style: chr4-187004755-G-A.
Other names: short protein forms E639K.
Identifiers: ClinVar variation 2976888 (VCV002976888.3), dbSNP rs752561623, ClinGen allele CA3161491.